The following is an entry in ClinVar:

ClinVar aggregate classification (germline): Uncertain significance. Review status: criteria provided, multiple submitters, no conflicts (2 of 4 stars). 2 submissions from 2 submitters: Uncertain significance (2). Last evaluated 2024-03-11.

Conditions:
Hereditary cancer-predisposing syndrome. Also called: Hereditary neoplastic syndrome; Hereditary Cancer Syndrome; Neoplastic Syndromes, Hereditary; Tumor predisposition. Identifiers: Orphanet 140162, MedGen C0027672, MeSH D009386, MONDO:0015356.
Familial adenomatous polyposis 1 (FAP1). Also called: FAMILIAL ADENOMATOUS POLYPOSIS 1, ATTENUATED; POLYPOSIS, ADENOMATOUS INTESTINAL. Identifiers: MedGen C2713442, MONDO:0021056, OMIM 175100. Disease mechanism: loss of function.

Allele frequency attached by ClinVar (database versions not stated): gnomAD exomes below 0.00001.
gnomAD v4.1: 8 of 1,614,180 alleles (0.0005%); highest among the groups gnomAD compares: South Asian, 0.0011%; no homozygotes.

Submissions (2):

Labcorp Genetics (formerly Invitae), Labcorp
Classification: Uncertain significance for Familial adenomatous polyposis 1. Last evaluated: 2024-03-11. Review status: criteria provided, single submitter. Criteria: Invitae Variant Classification Sherloc (09022015). Collection method: clinical testing. Allele origin: germline.
Comment: This sequence change replaces asparagine, which is neutral and polar, with serine, which is neutral and polar, at codon 936 of the APC protein (p.Asn936Ser). This variant is not present in population databases (gnomAD no frequency). This variant has not been reported in the literature in individuals affected with APC-related conditions. ClinVar contains an entry for this variant (Variation ID: 236582). Advanced modeling of protein sequence and biophysical properties (such as structural, functional, and spatial information, amino acid conservation, physicochemical variation, residue mobility, and thermodynamic stability) performed at Invitae indicates that this missense variant is not expected to disrupt APC protein function with a negative predictive value of 95%. In summary, the available evidence is currently insufficient to determine the role of this variant in disease. Therefore, it has been classified as a Variant of Uncertain Significance.

Ambry Genetics
Classification: Uncertain significance for Hereditary cancer-predisposing syndrome. Last evaluated: 2023-11-06. Review status: criteria provided, single submitter. Criteria: Ambry Variant Classification Scheme 2023. Collection method: clinical testing. Allele origin: germline.
Comment: The p.N936S variant (also known as c.2807A>G), located in coding exon 15 of the APC gene, results from an A to G substitution at nucleotide position 2807. The asparagine at codon 936 is replaced by serine, an amino acid with highly similar properties. This amino acid position is conserved. In addition, in silico predictors for this gene do not accurately predict pathogenicity. Since supporting evidence is limited at this time, the clinical significance of this alteration remains unclear.

NM_000038.6(APC):c.2807A>G (p.Asn936Ser)

Gene: APC (APC regulator of Wnt signaling pathway; plus strand). Cytogenetic location: 5q22.2.
Variant type: single nucleotide variant.
Coding change: c.2807A>G on transcript NM_000038.6 (MANE Select); coding-DNA position 2807, A replaced by G.
Protein change: p.Asn936Ser; replaces asparagine 936 with serine.
Molecular consequence: missense variant.
Genome position (GRCh38, 1-based): chr5:112,838,401, A>G. VCF-style: chr5-112838401-A-G. GRCh37 (hg19) VCF-style: chr5-112174098-A-G.
Other names: c.2807A>G, p.Asn936Ser (NM_001127510.3, NM_001354895.2); c.2753A>G, p.Asn918Ser (NM_001127511.3); c.2861A>G, p.Asn954Ser (NM_001354896.2); c.2837A>G, p.Asn946Ser (NM_001354897.2); c.2732A>G, p.Asn911Ser (NM_001354898.2); c.2723A>G, p.Asn908Ser (NM_001354899.2); c.2684A>G, p.Asn895Ser (NM_001354900.2); c.2630A>G, p.Asn877Ser (NM_001354901.2); and 5 more; short protein forms N918S, N936S, N653S, N908S, N911S, N835S, N776S, N810S.
Identifiers: ClinVar variation 236582 (VCV000236582.10), dbSNP rs878853433, ClinGen allele CA10582302.